The following is an entry in ClinVar:

NM_001365276.2(TNXB):c.9331G>C (p.Asp3111His)

Gene: TNXB (tenascin XB; minus strand). Cytogenetic location: 6p21.33.
Variant type: single nucleotide variant.
Coding change: c.9331G>C on transcript NM_001365276.2 (MANE Select); coding-DNA position 9331, G replaced by C.
Protein change: p.Asp3111His; replaces aspartic acid 3111 with histidine.
Molecular consequence: missense variant.
Genome position (GRCh38, 1-based): chr6:32,050,106, C>G on the plus strand (G>C on the coding strand, the complement: TNXB is on the minus strand). VCF-style: chr6-32050106-C-G. GRCh37 (hg19) VCF-style: chr6-32017883-C-G.
Other names: c.9325G>C, p.Asp3109His (NM_019105.8); short protein forms D3111H, D3109H.
Identifiers: ClinVar variation 3327854 (VCV003327854.1).
Genomic context (GRCh38, chr6:32,050,106, plus strand): 5'-AGCCGTACAGGTTCATCTTGTATTTATGGTCTGGCTCCAGGCCTGAGATGGTGACCCCGT[C>G]CTCGTGCCCCGGCACCCGCACCGCCTTGGGCTGCCCATCCCCATTCCTGTACTGGACCAG-3'
Protein context (NP_001352205.1, residues 3101-3121): PKAVRVPGHE[Asp3111His]GVTISGLEPD

ClinVar aggregate classification (germline): Uncertain significance (1 of 4 stars; one submission).

Conditions:
Cardiovascular phenotype. Identifiers: MedGen CN230736.

gnomAD v4.1: 25 of 1,613,638 alleles (0.0015%); highest among the groups gnomAD compares: Non-Finnish European, 0.0011%; no homozygotes.

Submission:

Ambry Genetics
Classification: Uncertain significance for Cardiovascular phenotype. Last evaluated: 2024-05-07. Review status: criteria provided, single submitter. Criteria: Ambry Variant Classification Scheme 2023. Collection method: clinical testing. Allele origin: germline.
Comment: The p.D3109H variant (also known as c.9325G>C), located in coding exon 26 of the TNXB gene, results from a G to C substitution at nucleotide position 9325. The aspartic acid at codon 3109 is replaced by histidine, an amino acid with similar properties. This amino acid position is conserved. In addition, this alteration is predicted to be tolerated by in silico analysis. Based on the available evidence, the clinical significance of this variant remains unclear.